The following is an entry in ClinVar:

ClinVar aggregate classification (germline): Pathogenic (1 of 4 stars; one submission).

Submission:

GeneDx
Classification: Pathogenic. Last evaluated: 2025-06-25. Review status: criteria provided, single submitter. Criteria: GeneDx Variant Classification Process June 2021. Collection method: clinical testing. Allele origin: germline. Affected: yes.
Comment: Occurs in the triple helical domain and replaces a glycine in a canonical Gly-X-Y repeat; missense substitution of a canonical glycine residue is expected to disrupt normal protein folding and function, and this is an established mechanism of disease (PMID: 34007986); In silico analysis supports that this missense variant has a deleterious effect on protein structure/function; Not observed at significant frequency in large population cohorts (gnomAD); Has not been previously published as pathogenic or benign to our knowledge; This variant is associated with the following publications: (PMID: 34007986)

NM_000088.4(COL1A1):c.2983G>T (p.Gly995Cys)

Gene: COL1A1 (collagen type I alpha 1 chain; minus strand). Cytogenetic location: 17q21.33.
Variant type: single nucleotide variant.
Coding change: c.2983G>T on transcript NM_000088.4 (MANE Select); coding-DNA position 2983, G replaced by T.
Protein change: p.Gly995Cys; replaces glycine 995 with cysteine.
Molecular consequence: missense variant.
Genome position (GRCh38, 1-based): chr17:50,188,965, C>A on the plus strand (G>T on the coding strand, the complement: COL1A1 is on the minus strand). VCF-style: chr17-50188965-C-A. GRCh37 (hg19) VCF-style: chr17-48266326-C-A.
Other names: short protein forms G995C.
Identifiers: ClinVar variation 4539976 (VCV004539976.1).